The following is an entry in ClinVar:

NM_000533.5(PLP1):c.436C>T (p.Leu146=)

Genes: PLP1 (proteolipid protein 1; plus strand), RAB9B (RAB9B, member RAS oncogene family; minus strand). Cytogenetic location: Xq22.2.
Variant type: single nucleotide variant.
Coding change: c.436C>T on transcript NM_000533.5 (MANE Select); coding-DNA position 436, C replaced by T.
Protein change: p.Leu146=; no amino-acid change (leucine 146 retained).
Molecular consequence: synonymous variant. On other transcripts: intron variant (1).
Genome position (GRCh38, 1-based): chrX:103,786,709, C>T. VCF-style: chrX-103786709-C-T. GRCh37 (hg19) VCF-style: chrX-103041638-C-T.
Other names: c.436C>T, p.Leu146= (NM_001128834.3); c.271C>T, p.Leu91= (NM_001305004.1); c.348+88C>T (NM_199478.3).
Identifiers: ClinVar variation 1344465 (VCV001344465.5), dbSNP rs2147764616, ClinGen allele CA518092054.

ClinVar aggregate classification (germline): Conflicting classifications of pathogenicity. Review status: criteria provided, conflicting classifications (1 of 4 stars). 2 submissions from 2 submitters: Likely pathogenic (1); Uncertain significance (1). Last evaluated 2024-04-25.

Conditions:
Hereditary spastic paraplegia. Also called: Familial spastic paraparesis. Identifiers: Orphanet 685, MedGen C0037773, MONDO:0019064. Disease mechanism: loss of function.
Pelizaeus-Merzbacher disease. Also called: Sudanophilic leukodystrophy; Pelizeaus-Merzbacher spectrum disorder; LEUKODYSTROPHY, HYPOMYELINATING, 1; Pelizaeus-Merzbacher spectrum disorder; Pelizaeus-Merzbacher Disease (PMD). Identifiers: Orphanet 702, MedGen C0205711, MONDO:0010714, OMIM 312080, HP:0003269.

Submissions (2):

Molecular Diagnostics Lab, Nemours Children's Health, Delaware
Classification: Likely pathogenic for Pelizaeus-Merzbacher disease. Last evaluated: 2024-04-25. Review status: criteria provided, single submitter. Criteria: ACMG Guidelines, 2015. Collection method: clinical testing. Allele origin: unknown. Inheritance: X-linked inheritance. Affected: yes. Observed: 2 hemizygotes. Clinical features observed: Nystagmus (HP:0000639), Ataxia (HP:0001251), Global developmental delay (HP:0001263).
Comment: This variant (c.436C>T, p.Leu146=) predicts a synoymous change that has not been observed in population databases (gnomAD). It has been described in the literature, and functional studies indicate an effect on protein expression (PMID 26125040, PMID 30195779).

Genome Diagnostics Laboratory, The Hospital for Sick Children
Classification: Uncertain significance for Hereditary spastic paraplegia. Last evaluated: 2016-12-12. Review status: criteria provided, single submitter. Criteria: ACMG Guidelines, 2015. Collection method: clinical testing. Allele origin: germline. Affected: yes.

Literature cited by the submitters: PubMed 26125040 (cited by Molecular Diagnostics Lab, Nemours Children's Health, Delaware); PubMed 30195779 (cited by Molecular Diagnostics Lab, Nemours Children's Health, Delaware); PubMed 24019930 (cited by Molecular Diagnostics Lab, Nemours Children's Health, Delaware).